The following is an entry in ClinVar:

ClinVar aggregate classification (germline): Uncertain significance (1 of 4 stars; one submission).

Conditions:
Familial infantile myasthenia (CMS6). Also called: MYASTHENIC SYNDROME, PRESYNAPTIC, CONGENITAL, ASSOCIATED WITH EPISODIC APNEA; MYASTHENIC SYNDROME, CONGENITAL, 6, PRESYNAPTIC; Congenital myasthenic syndrome type 6. Identifiers: Orphanet 590, MedGen C0393929, MONDO:0009689, OMIM 254210.

Allele frequency attached by ClinVar (database versions not stated): gnomAD exomes below 0.00001; TOPMed below 0.00001; gnomAD 0.00001.
gnomAD v4.1: 6 of 1,612,136 alleles (0.00037%); highest among the groups gnomAD compares: Admixed American, 0.0033%; no homozygotes.

Submission:

Labcorp Genetics (formerly Invitae), Labcorp
Classification: Uncertain significance for Familial infantile myasthenia. Last evaluated: 2020-08-20. Review status: criteria provided, single submitter. Criteria: Invitae Variant Classification Sherloc (09022015). Collection method: clinical testing. Allele origin: germline.
Comment: This sequence change falls in intron 8 of the CHAT gene. It does not directly change the encoded amino acid sequence of the CHAT protein, but it affects a nucleotide within the consensus splice site of the intron. This variant is not present in population databases (ExAC no frequency). This variant has not been reported in the literature in individuals with CHAT-related conditions. Nucleotide substitutions within the consensus splice site are a relatively common cause of aberrant splicing (PMID: 17576681, 9536098). Algorithms developed to predict the effect of sequence changes on RNA splicing suggest that this variant is not likely to affect RNA splicing, but this prediction has not been confirmed by published transcriptional studies. In summary, the available evidence is currently insufficient to determine the role of this variant in disease. Therefore, it has been classified as a Variant of Uncertain Significance.

Literature cited by the submitters: PubMed 17576681; PubMed 9536098.

NM_020549.5(CHAT):c.1282-3C>T

Gene: CHAT (choline O-acetyltransferase; plus strand). Cytogenetic location: 10q11.23.
Variant type: single nucleotide variant.
Coding change: c.1282-3C>T on transcript NM_020549.5 (MANE Select); 3 bases into the intron before coding-DNA position 1282, C replaced by T.
Molecular consequence: intron variant.
Genome position (GRCh38, 1-based): chr10:49,648,504, C>T. VCF-style: chr10-49648504-C-T. GRCh37 (hg19) VCF-style: chr10-50856550-C-T.
Other names: c.928-3C>T (NM_020984.4, NM_020985.4, NM_020986.4 and 2 more transcripts); c.1036-3C>T (NM_001142933.2).
Identifiers: ClinVar variation 1052697 (VCV001052697.4), dbSNP rs1373606481, ClinGen allele CA593373900.